The following is an entry in ClinVar:

NM_001363540.2(DOCK4):c.2770C>T (p.Arg924Ter)

Gene: DOCK4 (dedicator of cytokinesis 4; minus strand). Cytogenetic location: 7q31.1.
Variant type: single nucleotide variant.
Coding change: c.2770C>T on transcript NM_001363540.2 (MANE Select); coding-DNA position 2770, C replaced by T.
Protein change: p.Arg924Ter; replaces arginine 924 with a stop codon.
Molecular consequence: nonsense.
Genome position (GRCh38, 1-based): chr7:111,834,653, G>A on the plus strand (C>T on the coding strand, the complement: DOCK4 is on the minus strand). VCF-style: chr7-111834653-G-A. GRCh37 (hg19) VCF-style: chr7-111474709-G-A.
Other names: c.2770C>T, p.Arg924Ter (NM_014705.4); short protein forms R924*.
Identifiers: ClinVar variation 2627581 (VCV002627581.2), dbSNP rs1803094081, ClinGen allele CA368964788.

ClinVar aggregate classification (germline): Uncertain significance (1 of 4 stars; one submission).

Conditions:
Neurodevelopmental disorder. Identifiers: MedGen C1535926, MeSH D065886, MONDO:0700092.

Allele frequency attached by ClinVar (database versions not stated): gnomAD exomes below 0.00001.
gnomAD v4.1: 5 of 1,551,164 alleles (0.00032%); highest among the groups gnomAD compares: Non-Finnish European, 0.00044%; no homozygotes.

Submission:

Institute of Human Genetics, University of Leipzig Medical Center
Classification: Uncertain significance for Neurodevelopmental disorder. Last evaluated: 2024-02-12. Review status: criteria provided, single submitter. Criteria: ACMG Guidelines, 2015. Collection method: clinical testing. Allele origin: unknown. Affected: yes.
Comment: Criteria applied: PVS1

Literature cited by the submitters: DOI 10.1007/s00439-024-02655-4.